The following is an entry in ClinVar:

NM_020971.3(SPTBN4):c.2379C>A (p.Tyr793Ter)

Gene: SPTBN4 (spectrin beta, non-erythrocytic 4; plus strand). Cytogenetic location: 19q13.2.
Variant type: single nucleotide variant.
Coding change: c.2379C>A on transcript NM_020971.3 (MANE Select); coding-DNA position 2379, C replaced by A.
Protein change: p.Tyr793Ter; replaces tyrosine 793 with a stop codon.
Molecular consequence: nonsense.
Genome position (GRCh38, 1-based): chr19:40,513,168, C>A. VCF-style: chr19-40513168-C-A. GRCh37 (hg19) VCF-style: chr19-41019075-C-A.
Other names: short protein forms Y793*.
Identifiers: ClinVar variation 4854199 (VCV004854199.1).
Genomic context (GRCh38, chr19:40,513,168, plus strand): 5'-GGCGCTGCACCAGTTCGGCGCTGACCTCGACGGGCTGCTGGACTGGCTTCGCGACGCTTA[C>A]CGCCTGGCAGCCGCCGGTGACTTCGGCCACGACGAAGCTTCCAGCCGCCGCCTGGCGCGC-3'

ClinVar aggregate classification (germline): Likely pathogenic (1 of 4 stars; one submission).

Conditions:
Neurodevelopmental disorder with hypotonia, neuropathy, and deafness (NEDHND). Also called: Myopathy, congenital, with neuropathy and deafness; SPTBN4 Disorder. Identifiers: MedGen C4479603, MONDO:0060496, OMIM 617519.

Submission:

3billion
Classification: Likely pathogenic for Neurodevelopmental disorder with hypotonia, neuropathy, and deafness. Last evaluated: 2025-07-31. Review status: criteria provided, single submitter. Criteria: ACMG Guidelines, 2015. Collection method: clinical testing. Allele origin: germline. Affected: yes.
Comment: The variant is not observed in the gnomAD v4.1.0 dataset. Predicted Consequence/Location: Stop-gained (nonsense): predicted to result in a loss or disruption of normal protein function through nonsense-mediated decay (NMD) or protein truncation. Multiple pathogenic variants are reported downstream of the variant. Therefore, this variant is classified as Likely pathogenic according to the recommendation of ACMG/AMP guideline.